The following is an entry in ClinVar:

ClinVar aggregate classification (germline): Likely benign. Review status: criteria provided, multiple submitters, no conflicts (2 of 4 stars). 2 submissions from 2 submitters: Likely benign (2). Last evaluated 2024-11-06.

Conditions:
RYR1-related disorder. Also called: RYR1-related condition; RYR1-related disorders. Identifiers: MedGen CN239331.
Malignant hyperthermia, susceptibility to, 1 (MHS1). Also called: Anesthesia related hyperthermia; Malignant hyperpyrexia; Fulminating hyperpyrexia; Pharmacogenic myopathy; RYR1-Related Malignant Hyperthermia Susceptibility; Malignant hyperthermia suceptibility 1. Identifiers: Orphanet 423, MedGen C2930980, MONDO:0007783, OMIM 145600.

gnomAD v4.1: 3 of 1,551,178 alleles (0.00019%); highest among the groups gnomAD compares: Non-Finnish European, 0.00026%; no homozygotes.

Submissions (2):

Labcorp Genetics (formerly Invitae), Labcorp
Classification: Likely benign for RYR1-related disorder. Last evaluated: 2024-11-06. Review status: criteria provided, single submitter. Criteria: Invitae Variant Classification Sherloc (09022015). Collection method: clinical testing. Allele origin: germline.

All of Us Research Program, National Institutes of Health
Classification: Likely benign for Malignant hyperthermia, susceptibility to, 1. Last evaluated: 2024-04-16. Review status: criteria provided, single submitter. Criteria: ACMG Guidelines, 2015. Collection method: clinical testing. Allele origin: germline. Inheritance: Autosomal dominant inheritance. Observed: 2 variant alleles, 2 heterozygotes.
Comment: This study involves interpretation of variants in research participants for the purpose of population health screening. Participant phenotype was not available at the time of variant classification. Additional details can be found in publication PMID: 35346344, PMCID: PMC8962531

NM_000540.3(RYR1):c.4920C>T (p.Ile1640=)

Gene: RYR1 (ryanodine receptor 1; plus strand). Cytogenetic location: 19q13.2.
Variant type: single nucleotide variant.
Coding change: c.4920C>T on transcript NM_000540.3 (MANE Select); coding-DNA position 4920, C replaced by T.
Protein change: p.Ile1640=; no amino-acid change (isoleucine 1640 retained).
Molecular consequence: synonymous variant.
Genome position (GRCh38, 1-based): chr19:38,483,502, C>T. VCF-style: chr19-38483502-C-T. GRCh37 (hg19) VCF-style: chr19-38974142-C-T.
Other names: c.4920C>T, p.Ile1640= (NM_001042723.2).
Identifiers: ClinVar variation 3000366 (VCV003000366.5), dbSNP rs2514215309, ClinGen allele CA507353324.